The following is an entry in ClinVar:

NM_002519.3(NPAT):c.1501C>G (p.Gln501Glu)

Gene: NPAT (nuclear protein, coactivator of histone transcription; minus strand). Cytogenetic location: 11q22.3.
Variant type: single nucleotide variant.
Coding change: c.1501C>G on transcript NM_002519.3 (MANE Select); coding-DNA position 1501, C replaced by G.
Protein change: p.Gln501Glu; replaces glutamine 501 with glutamic acid.
Molecular consequence: missense variant.
Genome position (GRCh38, 1-based): chr11:108,173,483, G>C on the plus strand (C>G on the coding strand, the complement: NPAT is on the minus strand). VCF-style: chr11-108173483-G-C. GRCh37 (hg19) VCF-style: chr11-108044210-G-C.
Other names: c.1501C>G, p.Gln501Glu (NM_001321307.1); short protein forms Q501E.
Identifiers: ClinVar variation 3722163 (VCV003722163.2).

ClinVar aggregate classification (germline): Uncertain significance (1 of 4 stars; one submission).

gnomAD v4.1: 2 of 1,614,130 alleles (0.00012%); highest among the groups gnomAD compares: Non-Finnish European, 0.00017%; no homozygotes.

Submission:

Labcorp Genetics (formerly Invitae), Labcorp
Classification: Uncertain significance. Last evaluated: 2024-10-03. Review status: criteria provided, single submitter. Criteria: Invitae Variant Classification Sherloc (09022015). Collection method: clinical testing. Allele origin: germline.
Comment: This sequence change replaces glutamine, which is neutral and polar, with glutamic acid, which is acidic and polar, at codon 501 of the NPAT protein (p.Gln501Glu). This variant is present in population databases (rs748300044, gnomAD 0.002%). This variant has not been reported in the literature in individuals affected with NPAT-related conditions. An algorithm developed to predict the effect of missense changes on protein structure and function (PolyPhen-2) suggests that this variant is likely to be tolerated. In summary, the available evidence is currently insufficient to determine the role of this variant in disease. Therefore, it has been classified as a Variant of Uncertain Significance.